The following is an entry in ClinVar:

ClinVar aggregate classification (germline): Uncertain significance. Review status: criteria provided, multiple submitters, no conflicts (2 of 4 stars). 2 submissions from 2 submitters: Uncertain significance (2). Last evaluated 2026-06-08.

Conditions:
Tuberous sclerosis 2 (TSC2). Identifiers: Orphanet 805, MedGen C1860707, MONDO:0013199, OMIM 613254.
Hereditary cancer-predisposing syndrome. Also called: Tumor predisposition; Neoplastic Syndromes, Hereditary; Hereditary Cancer Syndrome; Hereditary neoplastic syndrome. Identifiers: Orphanet 140162, MedGen C0027672, MeSH D009386, MONDO:0015356.

Submissions (2):

Ambry Genetics
Classification: Uncertain significance for Hereditary cancer-predisposing syndrome. Last evaluated: 2026-06-08. Review status: criteria provided, single submitter. Criteria: Ambry Variant Classification Scheme 2023. Collection method: clinical testing. Allele origin: germline.
Comment: The p.A1429G variant (also known as c.4286C>G), located in coding exon 33 of the TSC2 gene, results from a C to G substitution at nucleotide position 4286. The alanine at codon 1429 is replaced by glycine, an amino acid with similar properties. This amino acid position is conserved. In addition, the in silico prediction for this alteration is inconclusive. Based on the available evidence, the clinical significance of this variant remains unclear.

Labcorp Genetics (formerly Invitae), Labcorp
Classification: Uncertain significance for Tuberous sclerosis 2. Last evaluated: 2023-08-11. Review status: criteria provided, single submitter. Criteria: Invitae Variant Classification Sherloc (09022015). Collection method: clinical testing. Allele origin: germline.
Comment: This variant is not present in population databases (gnomAD no frequency). In summary, the available evidence is currently insufficient to determine the role of this variant in disease. Therefore, it has been classified as a Variant of Uncertain Significance. Advanced modeling of protein sequence and biophysical properties (such as structural, functional, and spatial information, amino acid conservation, physicochemical variation, residue mobility, and thermodynamic stability) performed at Invitae indicates that this missense variant is not expected to disrupt TSC2 protein function. ClinVar contains an entry for this variant (Variation ID: 1427263). This variant has not been reported in the literature in individuals affected with TSC2-related conditions. This sequence change replaces alanine, which is neutral and non-polar, with glycine, which is neutral and non-polar, at codon 1429 of the TSC2 protein (p.Ala1429Gly).

NM_000548.5(TSC2):c.4286C>G (p.Ala1429Gly)

Gene: TSC2 (TSC complex subunit 2; plus strand). Cytogenetic location: 16p13.3.
Variant type: single nucleotide variant.
Coding change: c.4286C>G on transcript NM_000548.5 (MANE Select); coding-DNA position 4286, C replaced by G.
Protein change: p.Ala1429Gly; replaces alanine 1429 with glycine.
Molecular consequence: missense variant.
Genome position (GRCh38, 1-based): chr16:2,084,508, C>G. VCF-style: chr16-2084508-C-G. GRCh37 (hg19) VCF-style: chr16-2134509-C-G.
Other names: c.4085C>G, p.Ala1362Gly (NM_001077183.3); c.4217C>G, p.Ala1406Gly (NM_001114382.3); c.3977C>G, p.Ala1326Gly (NM_001318827.2); c.3941C>G, p.Ala1314Gly (NM_001318829.2); c.3554C>G, p.Ala1185Gly (NM_001318831.2); c.4118C>G, p.Ala1373Gly (NM_001318832.2); c.4088C>G, p.Ala1363Gly (NM_001363528.2); c.4154C>G, p.Ala1385Gly (NM_001370404.1); and 2 more; short protein forms A1362G, A1363G, A1406G, A1429G, A1185G, A1314G, A1385G, A1386G.
Identifiers: ClinVar variation 1427263 (VCV001427263.9), dbSNP rs757579310, ClinGen allele CA394300950.